The following is an entry in ClinVar:

NC_012920.1(MT-ND2):m.4497T>C

Gene: MT-ND2 (mitochondrially encoded NADH dehydrogenase 2; plus strand).
Variant type: single nucleotide variant.
Genome position: chrM-4497-T-C.
Identifiers: ClinVar variation 692451 (VCV000692451.1), dbSNP rs1603219482, ClinGen allele CA414774598.
Genomic context (GRCh38, chrMT:4,497, plus strand): 5'-CCCGAAAATGTTGGTTATACCCTTCCCGTACTAATTAATCCCCTGGCCCAACCCGTCATC[T>C]ACTCTACCATCTTTGCAGGCACACTCATCACAGCGCTAAGCTCGCACTGATTTTTTACCT-3'

ClinVar aggregate classification (germline): Uncertain significance (1 of 4 stars; one submission).

Conditions:
Leigh syndrome (NULS). Also called: Leigh's necrotizing encephalopathy; Leigh's disease; Leigh Syndrome (mtDNA deletion); Leigh Disease; Subacute necrotizing encephalopathy; Necrotizing encephalopathy infantile subacute of Leigh. Identifiers: Orphanet 506, MedGen C2931891, MONDO:0009723, OMIM 256000.

Submission:

Wong Mito Lab, Molecular and Human Genetics, Baylor College of Medicine
Classification: Uncertain significance for Leigh syndrome. Last evaluated: 2019-10-17. Review status: criteria provided, single submitter. Criteria: Modified ACMG Guidelines (Unpublished). Collection method: clinical testing. Allele origin: germline.
Comment: The NC_012920.1:m.4497T>C (YP_003024027.1:p.Tyr10His) variant in MTND2 gene is interpretated to be a Uncertain Significance variant based on the modified ACMG guidelines (unpublished). This variant meets the following evidence codes: PP7